The following is an entry in ClinVar:

ClinVar aggregate classification (germline): Uncertain significance (1 of 4 stars; one submission).

Conditions:
Hereditary cancer-predisposing syndrome. Also called: Tumor predisposition; Hereditary neoplastic syndrome; Neoplastic Syndromes, Hereditary; Hereditary Cancer Syndrome. Identifiers: Orphanet 140162, MedGen C0027672, MeSH D009386, MONDO:0015356.

Submission:

Ambry Genetics
Classification: Uncertain significance for Hereditary cancer-predisposing syndrome. Last evaluated: 2025-06-01. Review status: criteria provided, single submitter. Criteria: Ambry Variant Classification Scheme 2023. Collection method: clinical testing. Allele origin: germline.
Comment: The p.L1408Q variant (also known as c.4223T>A), located in coding exon 22 of the DICER1 gene, results from a T to A substitution at nucleotide position 4223. The leucine at codon 1408 is replaced by glutamine, an amino acid with dissimilar properties. This amino acid position is conserved. In addition, the in silico prediction for this alteration is inconclusive. Based on the available evidence, the clinical significance of this variant remains unclear.

NM_177438.3(DICER1):c.4223T>A (p.Leu1408Gln)

Gene: DICER1 (dicer 1, ribonuclease III; minus strand). Cytogenetic location: 14q32.13.
Variant type: single nucleotide variant.
Coding change: c.4223T>A on transcript NM_177438.3 (MANE Select); coding-DNA position 4223, T replaced by A.
Protein change: p.Leu1408Gln; replaces leucine 1408 with glutamine.
Molecular consequence: missense variant. On other transcripts: non-coding transcript variant (6).
Genome position (GRCh38, 1-based): chr14:95,096,697, A>T on the plus strand (T>A on the coding strand, the complement: DICER1 is on the minus strand). VCF-style: chr14-95096697-A-T. GRCh37 (hg19) VCF-style: chr14-95563034-A-T.
Other names: c.4223T>A, p.Leu1408Gln (NM_001195573.1, NM_001271282.3, NM_001291628.2 and 12 more transcripts); c.3941T>A, p.Leu1314Gln (NM_001395686.1); c.3818T>A, p.Leu1273Gln (NM_001395687.1, NM_001395688.1, NM_001395689.1 and 2 more transcripts); c.3656T>A, p.Leu1219Gln (NM_001395691.1); c.2540T>A, p.Leu847Gln (NM_001395697.1); short protein forms L1314Q, L847Q, L1219Q, L1273Q, L1408Q.
Identifiers: ClinVar variation 4011683 (VCV004011683.1).
Genomic context (GRCh38, chr14:95,096,697, plus strand): 5'-ATCAGGCTCTCCTCCTCCTCATCCTCCTCCTCGTAATCCTCATCCAGTTTGCCATTCGCC[A>T]GCATGCAGTCTTTTGTCTGAAACGAGGGGGAATGGGGAAGGAGGGGAAACATAGCTGCTG-3'
Protein context (NP_803187.1, residues 1398-1418): EKDEMTKDCM[Leu1408Gln]ANGKLDEDYE